The following is an entry in ClinVar:

ClinVar aggregate classification (germline): Conflicting classifications of pathogenicity. Review status: criteria provided, conflicting classifications (1 of 4 stars). 7 submissions from 7 submitters: Pathogenic (2); Likely pathogenic (3); Uncertain significance (2). Last evaluated 2025-06-04.

Conditions:
Arrhythmogenic right ventricular dysplasia 10. Also called: Arrhythmogenic Right Ventricular Dysplasia/Cardiomyopathy10; Arrhythmogenic right ventricular dysplasia/cardiomyopathy, type 10; ARRHYTHMOGENIC RIGHT VENTRICULAR DYSPLASIA, FAMILIAL, 10. Identifiers: MedGen C1857777, MONDO:0012434, OMIM 610193.
Cardiovascular phenotype. Identifiers: MedGen CN230736.
DSG2-related disorders.
Cardiomyopathy (CMYO). Also called: Cardiomyopathies. Identifiers: Orphanet 167848, MedGen C0878544, MONDO:0004994, HP:0001638. Inheritance: Various modes of inheritance.

Submissions (7):

Color Diagnostics, LLC DBA Color Health
Classification: Uncertain significance for Cardiomyopathy. Last evaluated: 2025-06-04. Review status: criteria provided, single submitter. Criteria: ACMG Guidelines, 2015. Collection method: clinical testing. Allele origin: germline.
Comment: This variant deletes 1 nucleotide in exon 15 of the DSG2 gene, creating a frameshift and premature translation stop signal in the last exon. The mutant transcript is expected to escape nonsense-mediated decay and be expressed as a protein product containing altered C-terminal sequence. To our knowledge, functional studies have not been reported for this variant. This variant has not been reported in individuals affected with cardiovascular disorders in the literature. This variant has been identified in 5/279916 chromosomes in the general population by the Genome Aggregation Database (gnomAD). The available evidence is insufficient to determine the role of this variant in disease conclusively. Therefore, this variant is classified as a Variant of Uncertain Significance.

Ambry Genetics
Classification: Likely pathogenic for Cardiovascular phenotype. Last evaluated: 2025-02-21. Review status: criteria provided, single submitter. Criteria: Ambry Variant Classification Scheme 2023. Collection method: clinical testing. Allele origin: germline.
Comment: The c.2551delA variant, located in coding exon 15 of the DSG2 gene, results from a deletion of one nucleotide at nucleotide position 2551, causing a translational frameshift with a predicted alternate stop codon (p.I851Lfs*13). This alteration occurs at the 3' terminus of theDSG2 gene, is not expected to trigger nonsense-mediated mRNA decay, and impacts the last 33% of the protein. However, premature stop codons are typically deleterious in nature and the impacted region is critical for protein function and a significant portion of the protein is affected (Ambry internal data). This variant has been reported in association with arrhythmogenic right ventricular cardiomyopathy (ARVC) and has been reported with an alteration in the PKP2 gene (Rayani K et al. Eur J Hum Genet, 2023 May;31:512-520). Based on the majority of available evidence to date, this variant is likely to be pathogenic.

Molecular Diagnostic Laboratory for Inherited Cardiovascular Disease, Montreal Heart Institute
Classification: Likely pathogenic for Cardiovascular phenotype. Last evaluated: 2025-01-20. Review status: criteria provided, single submitter. Criteria: ACMG Guidelines, 2015. Collection method: clinical testing. Allele origin: germline. Affected: yes.
Comment: PVS1_strong, PM2

Blueprint Genetics
Classification: Likely pathogenic for DSG2-related disorders. Last evaluated: 2024-11-06. Review status: criteria provided, single submitter. Criteria: ACMG Guidelines, 2015. Collection method: clinical testing. Allele origin: germline. Affected: yes. Observed: 3 variant alleles.

Dasa
Classification: Uncertain significance. Last evaluated: 2024-10-31. Review status: criteria provided, single submitter. Criteria: DASA Assertion Criteria. Collection method: clinical testing. Allele origin: germline.
Comment: NM_001943.5(DSG2):c.2551del (p.Ile851Leufs*13) is a frameshift variant in DSG2 predicted to alter the reading frame and introduce a premature termination codon and is predicted to result in an absent or altered protein product. Loss of function is an established disease mechanism for DSG2-associated disorders. Also, this variant is rare in population databases. The currently available literature and clinical evidence are not sufficient to establish a definitive association between this variant and the reported condition. Therefore, this variant is classified as a variant of uncertain significance.

Labcorp Genetics (formerly Invitae), Labcorp
Classification: Pathogenic for Arrhythmogenic right ventricular dysplasia 10. Last evaluated: 2024-04-22. Review status: criteria provided, single submitter. Criteria: Invitae Variant Classification Sherloc (09022015). Collection method: clinical testing. Allele origin: germline.
Comment: This sequence change creates a premature translational stop signal (p.Ile851Leufs*13) in the DSG2 gene. While this is not anticipated to result in nonsense mediated decay, it is expected to disrupt the last 268 amino acid(s) of the DSG2 protein. This variant is present in population databases (rs763907170, gnomAD 0.004%). This variant has not been reported in the literature in individuals affected with DSG2-related conditions. ClinVar contains an entry for this variant (Variation ID: 684841). This variant disrupts a region of the DSG2 protein in which other variant(s) (p.Glu1020Alafs*18) have been determined to be pathogenic (PMID: 20864495, 21397041, 23381804). This suggests that this is a clinically significant region of the protein, and that variants that disrupt it are likely to be disease-causing. For these reasons, this variant has been classified as Pathogenic.

Baylor Genetics
Classification: Pathogenic for Arrhythmogenic right ventricular dysplasia 10. Last evaluated: 2022-10-19. Review status: criteria provided, single submitter. Criteria: ACMG Guidelines, 2015. Collection method: clinical testing. Allele origin: unknown.

Literature cited by the submitters: PubMed 36138163 (cited by Ambry Genetics); PubMed 20864495 (cited by Labcorp Genetics (formerly Invitae), Labcorp); PubMed 21397041 (cited by Labcorp Genetics (formerly Invitae), Labcorp); PubMed 23381804 (cited by Labcorp Genetics (formerly Invitae), Labcorp).

NM_001943.5(DSG2):c.2551del (p.Ile851fs)

Genes: DSG2 (desmoglein 2; plus strand), DSG2-AS1 (DSG2 antisense RNA 1; minus strand). Cytogenetic location: 18q12.1.
Variant type: Deletion.
Coding change: c.2551del on transcript NM_001943.5 (MANE Select); coding-DNA position 2551, one base deleted (A; older notation c.2551delA).
Protein change: p.Ile851fs; shifts the reading frame from isoleucine 851.
Molecular consequence: frameshift variant.
Genome position (GRCh38, 1-based): chr18:31,545,937, A deleted; the last of 3 consecutive A bases (chr18:31,545,935-31,545,937); deleting any one gives the same sequence. VCF-style (leftmost placement, unchanged base first): chr18-31545934-GA-G. GRCh37 (hg19) VCF-style: chr18-29125897-GA-G.
Other names: c.2551delA (NM_001943.3); c.2551del (NM_001943.4); short protein forms I851fs.
Identifiers: ClinVar variation 684841 (VCV000684841.13), dbSNP rs763907170, ClinGen allele CA8928358.